The following is an entry in ClinVar:

NM_000088.4(COL1A1):c.2062C>T (p.Gln688Ter)

Gene: COL1A1 (collagen type I alpha 1 chain; minus strand). Cytogenetic location: 17q21.33.
Variant type: single nucleotide variant.
Coding change: c.2062C>T on transcript NM_000088.4 (MANE Select); coding-DNA position 2062, C replaced by T.
Protein change: p.Gln688Ter; replaces glutamine 688 with a stop codon.
Molecular consequence: nonsense.
Genome position (GRCh38, 1-based): chr17:50,191,853, G>A on the plus strand (C>T on the coding strand, the complement: COL1A1 is on the minus strand). VCF-style: chr17-50191853-G-A. GRCh37 (hg19) VCF-style: chr17-48269214-G-A.
Other names: p.Gln688*; short protein forms Q688*.
Identifiers: ClinVar variation 35907 (VCV000035907.11), dbSNP rs193922144, ClinGen allele CA260287.

ClinVar aggregate classification (germline): Pathogenic/Likely pathogenic. Review status: criteria provided, multiple submitters, no conflicts (2 of 4 stars). 6 submissions from 6 submitters: Pathogenic (3); Likely pathogenic (3). Last evaluated 2025-12-25.

Conditions:
Combined osteogenesis imperfecta and Ehlers-Danlos syndrome 1. Also called: OIEDS SYNDROME 1. Identifiers: MedGen C5436842, MONDO:0030854, OMIM 619115.
Osteogenesis imperfecta type I (OI1). Also called: Lobstein disease; Lobstein's Disease; OI, TYPE I; OSTEOGENESIS IMPERFECTA TARDA; OSTEOGENESIS IMPERFECTA WITH BLUE SCLERAE; Osteogenesis imperfecta type 1. Identifiers: Orphanet 216796, Orphanet 666, MedGen C0023931, MONDO:0008146, OMIM 166200. Disease mechanism: loss of function.
Ehlers-Danlos syndrome, arthrochalasia type. Also called: Ehlers-Danlos syndrome, arthrochalasis type; Ehlers-Danlos syndrome, arthrochalasia type, 1; ARTHROCHALASIS MULTIPLEX CONGENITA; EDS VII, MUTANT PROCOLLAGEN TYPE; EDS VIIA. Identifiers: Orphanet 1899, Orphanet 99875, Orphanet 99876, MedGen C4551623, MONDO:0007525, OMIM 130060.
Osteogenesis imperfecta, perinatal lethal (OI2). Also called: OI, TYPE II; OSTEOGENESIS IMPERFECTA, TYPE II; OSTEOGENESIS IMPERFECTA CONGENITA; VROLIK TYPE OF OSTEOGENESIS IMPERFECTA; Osteogenesis imperfecta, dominant perinatal lethal; Osteogenesis imperfecta type 2. Identifiers: Orphanet 216804, MedGen C0268358, MONDO:0008147, OMIM 166210.
Osteogenesis imperfecta type III (OI3). Also called: Osteogenesis imperfecta type 3; OI type 3; Osteogenesis imperfecta, progressively deforming with normal sclerae; OI type III; Progressively Deforming Osteogenesis Imperfecta. Identifiers: Orphanet 216812, Orphanet 666, MedGen C0268362, MONDO:0009804, OMIM 259420.
Osteoporosis. Identifiers: MedGen C0029456, MONDO:0005298, OMIM 166710, HP:0000939.
Infantile cortical hyperostosis. Also called: Caffey Disease; P1PK BLOOD GROUP SYSTEM, P(2) PHENOTYPE; Hyperostosis, Cortical, Congenital. Identifiers: Orphanet 1310, MedGen C0020497, MONDO:0007244, OMIM 114000.
Osteogenesis imperfecta with normal sclerae, dominant form (OI4). Also called: OSTEOGENESIS IMPERFECTA, TYPE IV, WITH DENTINOGENESIS IMPERFECTA; Osteogenesis Imperfecta Type IV; OSTEOGENESIS IMPERFECTA WITH NORMAL SCLERAE; Osteogenesis imperfecta type 4; Common Variable Osteogenesis Imperfecta with Normal Sclerae. Identifiers: Orphanet 216820, Orphanet 666, MedGen C0268363, MONDO:0008148, OMIM 166220.
COL1A1-related disorder. Also called: COL1A1-related condition; COL1A1- related disease.
Osteogenesis imperfecta (OI). Identifiers: Orphanet 666, MedGen C0029434, MeSH D010013, MONDO:0019019.

Submissions (6):

3billion
Classification: Pathogenic for COL1A1-related disorder. Last evaluated: 2025-12-25. Review status: criteria provided, single submitter. Criteria: ACMG Guidelines, 2015. Collection method: clinical testing. Allele origin: germline. Affected: yes.
Comment: The variant is not observed in the gnomAD v4.1.0 dataset. Predicted Consequence/Location: Stop-gained (nonsense): predicted to result in a loss or disruption of normal protein function through nonsense-mediated decay (NMD) or protein truncation. Multiple pathogenic variants are reported downstream of the variant. The variant has been reported at least twice as pathogenic with clinical assertions and evidence for the classification (ClinVar ID: VCV000035907). Therefore, this variant is classified as Pathogenic according to the recommendation of ACMG/AMP guideline.

GeneDx
Classification: Pathogenic. Last evaluated: 2025-02-07. Review status: criteria provided, single submitter. Criteria: GeneDx Variant Classification Process June 2021. Collection method: clinical testing. Allele origin: germline. Affected: yes.
Comment: Nonsense variant predicted to result in protein truncation or nonsense mediated decay in a gene for which loss-of-function is a known mechanism of disease; Not observed at significant frequency in large population cohorts (gnomAD); Has not been previously published as pathogenic or benign to our knowledge

Fulgent Genetics
Classification: Likely pathogenic for Infantile cortical hyperostosis; Ehlers-Danlos syndrome, arthrochalasia type; Osteogenesis imperfecta type I; Osteogenesis imperfecta, perinatal lethal; Osteogenesis imperfecta with normal sclerae, dominant form; Osteoporosis; Osteogenesis imperfecta type III; Combined osteogenesis imperfecta and Ehlers-Danlos syndrome 1. Last evaluated: 2024-04-16. Review status: criteria provided, single submitter. Criteria: ACMG Guidelines, 2015. Collection method: clinical testing. Allele origin: germline.

Labcorp Genetics (formerly Invitae), Labcorp
Classification: Pathogenic for Osteogenesis imperfecta type I. Last evaluated: 2024-03-24. Review status: criteria provided, single submitter. Criteria: Invitae Variant Classification Sherloc (09022015). Collection method: clinical testing. Allele origin: germline.
Comment: This sequence change creates a premature translational stop signal (p.Gln688*) in the COL1A1 gene. It is expected to result in an absent or disrupted protein product. Loss-of-function variants in COL1A1 are known to be pathogenic (PMID: 7942841, 9295084, 9443882). This variant is not present in population databases (gnomAD no frequency). This variant has not been reported in the literature in individuals affected with COL1A1-related conditions. ClinVar contains an entry for this variant (Variation ID: 35907). For these reasons, this variant has been classified as Pathogenic.

Mayo Clinic Laboratories, Mayo Clinic
Classification: Likely pathogenic. Last evaluated: 2024-03-11. Review status: criteria provided, single submitter. Criteria: ACMG Guidelines, 2015. Collection method: clinical testing. Allele origin: germline. Observed: 1 variant allele.
Comment: PM2, PVS1

Women's Health and Genetics/Laboratory Corporation of America, LabCorp
Classification: Likely pathogenic for Osteogenesis Imperfecta. Last evaluated: 2011-08-18. Review status: criteria provided, single submitter. Criteria: LabCorp Variant Classification Summary - May 2015. Collection method: curation, clinical testing. Allele origin: germline. Inheritance: autosomal unknown. Affected: yes.
ClinVar note: Converted during submission from likely pathogenic to Likely pathogenic.

Literature cited by the submitters: PubMed 7942841 (cited by Labcorp Genetics (formerly Invitae), Labcorp); PubMed 9295084 (cited by Labcorp Genetics (formerly Invitae), Labcorp); PubMed 9443882 (cited by Labcorp Genetics (formerly Invitae), Labcorp).